The following is an entry in ClinVar:

NM_001563.4(IMPG1):c.2317G>A (p.Val773Ile)

Gene: IMPG1 (interphotoreceptor matrix proteoglycan 1; minus strand). Cytogenetic location: 6q14.1.
Variant type: single nucleotide variant.
Coding change: c.2317G>A on transcript NM_001563.4 (MANE Select); coding-DNA position 2317, G replaced by A.
Protein change: p.Val773Ile; replaces valine 773 with isoleucine.
Molecular consequence: missense variant.
Genome position (GRCh38, 1-based): chr6:75,922,166, C>T on the plus strand (G>A on the coding strand, the complement: IMPG1 is on the minus strand). VCF-style: chr6-75922166-C-T. GRCh37 (hg19) VCF-style: chr6-76631883-C-T.
Other names: c.2083G>A, p.Val695Ile (NM_001282368.2); short protein forms V695I, V773I.
Identifiers: ClinVar variation 2001168 (VCV002001168.4), dbSNP rs1449114259, ClinGen allele CA364766452.
Genomic context (GRCh38, chr6:75,922,166, plus strand): 5'-CTTGATGGTTAAATTCTTCATATTCTACGGTCAGTAATTCAGAATTTCTTTTACTGATTA[C>T]CTGAAAGAGAAATAGTTTTAAGAACTTAAGAAATGCCACCCAAGGTCAAACCAATGGTTC-3'
Protein context (NP_001554.2, residues 763-783): KKFQNQQNNK[Val773Ile]ISKRNSELLT

ClinVar aggregate classification (germline): Uncertain significance (1 of 4 stars; one submission).

Allele frequency attached by ClinVar (database versions not stated): gnomAD 0.00001; TOPMed 0.00001.

Submission:

Labcorp Genetics (formerly Invitae), Labcorp
Classification: Uncertain significance. Last evaluated: 2023-10-22. Review status: criteria provided, single submitter. Criteria: Invitae Variant Classification Sherloc (09022015). Collection method: clinical testing. Allele origin: germline.
Comment: This sequence change replaces valine, which is neutral and non-polar, with isoleucine, which is neutral and non-polar, at codon 773 of the IMPG1 protein (p.Val773Ile). This variant is present in population databases (no rsID available, gnomAD 0.004%). This variant has not been reported in the literature in individuals affected with IMPG1-related conditions. ClinVar contains an entry for this variant (Variation ID: 2001168). Algorithms developed to predict the effect of missense changes on protein structure and function output the following: SIFT: "Not Available"; PolyPhen-2: "Benign"; Align-GVGD: "Not Available". The isoleucine amino acid residue is found in multiple mammalian species, which suggests that this missense change does not adversely affect protein function. In summary, the available evidence is currently insufficient to determine the role of this variant in disease. Therefore, it has been classified as a Variant of Uncertain Significance.